The following is an entry in ClinVar:

NM_002230.4(JUP):c.1099C>A (p.Arg367Ser)

Gene: JUP (junction plakoglobin; minus strand). Cytogenetic location: 17q21.2.
Variant type: single nucleotide variant.
Coding change: c.1099C>A on transcript NM_002230.4 (MANE Select); coding-DNA position 1099, C replaced by A.
Protein change: p.Arg367Ser; replaces arginine 367 with serine.
Molecular consequence: missense variant.
Genome position (GRCh38, 1-based): chr17:41,764,772, G>T on the plus strand (C>A on the coding strand, the complement: JUP is on the minus strand). VCF-style: chr17-41764772-G-T. GRCh37 (hg19) VCF-style: chr17-39921024-G-T.
Other names: c.1099C>A, p.Arg367Ser (NM_001352773.2, NM_001352774.2, NM_001352775.2 and 3 more transcripts); short protein forms R367S.
Identifiers: ClinVar variation 4793295 (VCV004793295.1).

ClinVar aggregate classification (germline): Uncertain significance (1 of 4 stars; one submission).

Conditions:
Arrhythmogenic right ventricular dysplasia 12. Also called: ARRHYTHMOGENIC RIGHT VENTRICULAR DYSPLASIA, FAMILIAL, 12. Identifiers: MedGen C1969081, MONDO:0012684, OMIM 611528.
Naxos disease (NXD). Also called: PALMOPLANTAR KERATODERMA WITH ARRHYTHMOGENIC RIGHT VENTRICULAR CARDIOMYOPATHY AND WOOLLY HAIR; WOOLLY HAIR, PALMOPLANTAR KERATODERMA, AND CARDIAC ABNORMALITIES; CARDIOMYOPATHY, ARRHYTHMOGENIC RIGHT VENTRICULAR, WITH SKIN, HAIR, AND NAIL ABNORMALITIES; KERATOSIS PALMOPLANTARIS WITH ARRHYTHMOGENIC CARDIOMYOPATHY; MAL DE NAXOS. Identifiers: Orphanet 34217, MedGen C1832600, MONDO:0011017, OMIM 601214.

Submission:

Labcorp Genetics (formerly Invitae), Labcorp
Classification: Uncertain significance for Arrhythmogenic right ventricular dysplasia 12; Naxos disease. Last evaluated: 2025-07-28. Review status: criteria provided, single submitter. Criteria: Invitae Variant Classification Sherloc (09022015). Collection method: clinical testing. Allele origin: germline.
Comment: This sequence change replaces arginine, which is basic and polar, with serine, which is neutral and polar, at codon 367 of the JUP protein (p.Arg367Ser). This variant is not present in population databases (gnomAD no frequency). This variant has not been reported in the literature in individuals affected with JUP-related conditions. An algorithm developed to predict the effect of missense changes on protein structure and function (PolyPhen-2) suggests that this variant is likely to be disruptive. In summary, the available evidence is currently insufficient to determine the role of this variant in disease. Therefore, it has been classified as a Variant of Uncertain Significance.